The following is an entry in ClinVar:

ClinVar aggregate classification (germline): Uncertain significance (1 of 4 stars; one submission).

Conditions:
Cardiovascular phenotype. Identifiers: MedGen CN230736.

Submission:

Ambry Genetics
Classification: Uncertain significance for Cardiovascular phenotype. Last evaluated: 2026-04-04. Review status: criteria provided, single submitter. Criteria: Ambry Variant Classification Scheme 2023. Collection method: clinical testing. Allele origin: germline.
Comment: The p.L156F variant (also known as c.466C>T), located in coding exon 3 of the CBL gene, results from a C to T substitution at nucleotide position 466. The leucine at codon 156 is replaced by phenylalanine, an amino acid with highly similar properties. This amino acid position is conserved. In addition, this alteration is predicted to be deleterious by in silico analysis. Based on the available evidence, the clinical significance of this variant remains unclear.

NM_005188.4(CBL):c.466C>T (p.Leu156Phe)

Gene: CBL (Cbl proto-oncogene; plus strand). Cytogenetic location: 11q23.3.
Variant type: single nucleotide variant.
Coding change: c.466C>T on transcript NM_005188.4 (MANE Select); coding-DNA position 466, C replaced by T.
Protein change: p.Leu156Phe; replaces leucine 156 with phenylalanine.
Molecular consequence: missense variant.
Genome position (GRCh38, 1-based): chr11:119,271,757, C>T. VCF-style: chr11-119271757-C-T. GRCh37 (hg19) VCF-style: chr11-119142467-C-T.
Other names: short protein forms L156F.
Identifiers: ClinVar variation 4868215 (VCV004868215.1).